The following is an entry in ClinVar:

NM_000520.6(HEXA):c.805+1G>A

Gene: HEXA (hexosaminidase subunit alpha; minus strand). Cytogenetic location: 15q23.
Variant type: single nucleotide variant.
Coding change: c.805+1G>A on transcript NM_000520.6 (MANE Select); the canonical splice donor site of the intron after coding-DNA position 805, G replaced by A.
Molecular consequence: splice donor variant.
Genome position (GRCh38, 1-based): chr15:72,350,517, C>T on the plus strand (G>A on the coding strand, the complement: HEXA is on the minus strand). VCF-style: chr15-72350517-C-T. GRCh37 (hg19) VCF-style: chr15-72642858-C-T.
Other names: IVS7, G-A, +1; c.838+1G>A (NM_001318825.2); c.805+1G>A (NM_000520.5).
Identifiers: ClinVar variation 3938 (VCV000003938.200), dbSNP rs121907980, ClinGen allele CA116512.

ClinVar aggregate classification (germline): Pathogenic. Review status: criteria provided, multiple submitters, no conflicts (2 of 4 stars). 7 submissions from 7 submitters: Pathogenic (5). 2 of the submissions do not count toward it. Last evaluated 2025-10-21.

Conditions:
HEXA-related disorder. Also called: HEXA-related condition.
Tay-Sachs disease (TSD). Also called: HEXA DEFICIENCY; Hexosaminidase A Deficiency; HEXA Disorders; GM2 gangliosidosis, type 1; Hexosaminidase alpha-subunit deficiency (variant B); Sphingolipidosis, Tay-Sachs. Identifiers: Orphanet 845, MedGen C0039373, MONDO:0010100, OMIM 272800.

gnomAD v4.1: 6 of 1,614,018 alleles (0.00037%); highest among the groups gnomAD compares: Non-Finnish European, 0.00051%; no homozygotes.

Submissions (7):

Natera, Inc.
Classification: Pathogenic for Tay-Sachs disease. Last evaluated: 2025-10-21. Review status: criteria provided, single submitter. Criteria: Natera Variant Classification Schema (03/2026). Collection method: clinical testing. Allele origin: germline.
Comment: The c.805+1G>A variant in HEXA is a canonical splice donor site variant predicted to affect pre-mRNA splicing, which may result in an abnormal transcript and altered protein product. This variant is expected to result in nonsense mediated decay, truncation, or a dysfunctional protein product. This variant is rare in the general population with a frequency below the threshold expected for the associated phenotype(s). This variant has been observed in one or more individuals affected with the associated recessive disease, as either homozygous or compound heterozygous with a second variant (PMID: 22789865). Given the available evidence, this variant is classified as Pathogenic.

Labcorp Genetics (formerly Invitae), Labcorp
Classification: Pathogenic for Tay-Sachs disease. Last evaluated: 2024-05-21. Review status: criteria provided, single submitter. Criteria: Invitae Variant Classification Sherloc (09022015). Collection method: clinical testing. Allele origin: germline.
Comment: This sequence change affects a donor splice site in intron 7 of the HEXA gene. It is expected to disrupt RNA splicing. Variants that disrupt the donor or acceptor splice site typically lead to a loss of protein function (PMID: 16199547), and loss-of-function variants in HEXA are known to be pathogenic (PMID: 1833974, 8490625). This variant is present in population databases (rs121907980, gnomAD 0.0009%). Disruption of this splice site has been observed in individual(s) with Tay-Sachs disease (PMID: 1483696, 22789865). It is commonly reported in individuals of French Canadian ancestry (PMID: 1483696). This variant is also known as IVS7+1G>A. ClinVar contains an entry for this variant (Variation ID: 3938). Algorithms developed to predict the effect of sequence changes on RNA splicing suggest that this variant may disrupt the consensus splice site. For these reasons, this variant has been classified as Pathogenic.

Fulgent Genetics
Classification: Pathogenic for Tay-Sachs disease. Last evaluated: 2022-05-18. Review status: criteria provided, single submitter. Criteria: ACMG Guidelines, 2015. Collection method: clinical testing. Allele origin: unknown.

Myriad Genetics, Inc.
Classification: Pathogenic for Tay-Sachs disease. Last evaluated: 2019-11-12. Review status: criteria provided, single submitter. Criteria: Myriad Women's Health Autosomal Recessive and X-Linked Classification Criteria (2019). Collection method: clinical testing. Allele origin: unknown.
Comment: NM_000520.4(HEXA):c.805+1G>A(aka IVS7+1G>A) is classified as pathogenic in the context of hexosaminidase A deficiency and is associated with Tay-Sachs disease. Sources cited for classification include the following: PMID 22789865, 1483696 and 7717398. Classification of NM_000520.4(HEXA):c.805+1G>A(aka IVS7+1G>A) is based on the following criteria: The variant is located at a canonical splice site, is expected to disrupt gene function and is reported in individuals with the relevant phenotype. Please note: this variant was assessed in the context of healthy population screening.

Women's Health and Genetics/Laboratory Corporation of America, LabCorp
Classification: Pathogenic for Tay-Sachs disease. Last evaluated: 2017-12-14. Review status: criteria provided, single submitter. Criteria: LabCorp Variant Classification Summary - May 2015. Collection method: clinical testing. Allele origin: germline.
Comment: Variant summary: The HEXA c.805+1G>A variant involves the alteration of a conserved intronic nucleotide and 5/5 splice prediction tools predict a significant impact on normal splicing, which is supported by a functional study (Hechtman_1992). In addition, Gort_2012 observed very little (<10%) HEXA activity in a compound heterozygote affected individual. This variant was found in 1/246234 control chromosomes at a frequency of 0.0000041, which does not exceed the estimated maximal expected allele frequency of a pathogenic HEXA variant (0.0013975). Multiple publications have cited the variant in affected compound heterozygote individuals, predominantly French Canadians. In addition, a clinical diagnostic laboratory and reputable database classified this variant as likely pathogenic/pathogenic. Taken together, this variant is classified as pathogenic.

PreventionGenetics, part of Exact Sciences
Classification: Pathogenic for HEXA-related condition. Last evaluated: 2024-02-09. Review status: no assertion criteria provided. Collection method: clinical testing. Allele origin: germline. Not counted in ClinVar's aggregate classification.
Comment: The HEXA c.805+1G>A variant is predicted to disrupt the GT donor site and interfere with normal splicing. This variant was reported in the compound heterozygous state in multiple individuals with Tay-Sachs disease and was also shown to segregate with disease in three unrelated families (Figure 2, Hechtman et al. 1992. PubMed ID: 1483696; Table 2, Triggs-Raine et al. 1995. PubMed ID: 7717398; Table 1, Gort et al. 2012. PubMed ID: 22789865). Experimental studies suggest this variant impacts protein function showing little to no HexA activity in both serum and cultured human fibroblasts of the affected probands (Hechtman et al. 1992. PubMed ID: 1483696; Gort et al. 2012. PubMed ID: 22789865). This variant was found frequently in individuals of French Canadian ancestry (Hechtman et al. 1992. PubMed ID: 1483696). This variant is reported in 0.00088% of alleles in individuals of European (Non-Finnish) descent in gnomAD. Variants that disrupt the consensus splice donor site in HEXA are expected to be pathogenic. Taken together, this variant is interpreted as pathogenic.

OMIM
Classification: Pathogenic for TAY-SACHS DISEASE. Last evaluated: 1992-12-01. Review status: no assertion criteria provided. Collection method: literature only. Allele origin: germline. Not counted in ClinVar's aggregate classification.

Literature cited by the submitters: PubMed 22789865 (cited by 4 submitters); PubMed 16199547 (cited by Labcorp Genetics (formerly Invitae), Labcorp); PubMed 1833974 (cited by Labcorp Genetics (formerly Invitae), Labcorp); PubMed 8490625 (cited by Labcorp Genetics (formerly Invitae), Labcorp); PubMed 1483696 (cited by 4 submitters); PubMed 7717398 (cited by Myriad Genetics, Inc.).